The following is an entry in ClinVar:

NM_002474.3(MYH11):c.3718C>T (p.Leu1240=)

Gene: MYH11 (myosin heavy chain 11; minus strand). Cytogenetic location: 16p13.11.
Variant type: single nucleotide variant.
Coding change: c.3718C>T on transcript NM_002474.3 (MANE Select); coding-DNA position 3718, C replaced by T.
Protein change: p.Leu1240=; no amino-acid change (leucine 1240 retained).
Molecular consequence: synonymous variant.
Genome position (GRCh38, 1-based): chr16:15,726,988, G>A on the plus strand (C>T on the coding strand, the complement: MYH11 is on the minus strand). VCF-style: chr16-15726988-G-A. GRCh37 (hg19) VCF-style: chr16-15820845-G-A.
Other names: c.3739C>T, p.Leu1247= (NM_001040113.2, NM_001040114.2); c.3718C>T, p.Leu1240= (NM_022844.3).
Identifiers: ClinVar variation 3072704 (VCV003072704.1), dbSNP rs2506156319, ClinGen allele CA493766115.
Genomic context (GRCh38, chr16:15,726,988, plus strand): 5'-GCGCCTCCAGCTTCTTCTTCTTATGTTCCACCTCCTGCTTGGCCTGGCCCAGGACCCGCA[G>A]CTCCCCGGCCAGGTCTGCGTTCTCTTTCTCCAGCGTCTGCTTATTCTTGTCTAGGTTCGC-3'
Protein context (NP_002465.1, residues 1230-1250): EKENADLAGE[Leu1240=]RVLGQAKQEV

ClinVar aggregate classification (germline): Likely benign (1 of 4 stars; one submission).

Conditions:
Familial thoracic aortic aneurysm and aortic dissection (TAAD). Also called: Thoracic aortic aneurysms and dissections. Identifiers: Orphanet 91387, MedGen C4707243, MONDO:0019625.

Submission:

All of Us Research Program, National Institutes of Health
Classification: Likely benign for Familial thoracic aortic aneurysm and aortic dissection. Last evaluated: 2023-08-15. Review status: criteria provided, single submitter. Criteria: ACMG Guidelines, 2015. Collection method: clinical testing. Allele origin: germline. Inheritance: Autosomal dominant inheritance. Observed: 1 variant allele, 1 heterozygote.
Comment: This study involves interpretation of variants in research participants for the purpose of population health screening. Participant phenotype was not available at the time of variant classification. Additional details can be found in publication PMID: 35346344, PMCID: PMC8962531